The following is an entry in ClinVar:

ClinVar aggregate classification (germline): Uncertain significance (1 of 4 stars; one submission).

Allele frequency attached by ClinVar (database versions not stated): gnomAD 0.00001; TOPMed 0.00003; gnomAD exomes 0.00005.
gnomAD v4.1: 68 of 1,614,072 alleles (0.0042%); highest among the groups gnomAD compares: Non-Finnish European, 0.0056%; no homozygotes.

Submission:

Labcorp Genetics (formerly Invitae), Labcorp
Classification: Uncertain significance. Last evaluated: 2021-12-03. Review status: criteria provided, single submitter. Criteria: Invitae Variant Classification Sherloc (09022015). Collection method: clinical testing. Allele origin: germline.
Comment: In summary, the available evidence is currently insufficient to determine the role of this variant in disease. Therefore, it has been classified as a Variant of Uncertain Significance. Algorithms developed to predict the effect of missense changes on protein structure and function are either unavailable or do not agree on the potential impact of this missense change (SIFT: "Deleterious"; PolyPhen-2: "Benign"; Align-GVGD: "Class C0"). This sequence change replaces leucine, which is neutral and non-polar, with phenylalanine, which is neutral and non-polar, at codon 448 of the PLEKHG2 protein (p.Leu448Phe). This variant is not present in population databases (gnomAD no frequency). This variant has not been reported in the literature in individuals affected with PLEKHG2-related conditions.

NM_022835.3(PLEKHG2):c.1342C>T (p.Leu448Phe)

Gene: PLEKHG2 (pleckstrin homology and RhoGEF domain containing G2; plus strand). Cytogenetic location: 19q13.2.
Variant type: single nucleotide variant.
Coding change: c.1342C>T on transcript NM_022835.3 (MANE Select); coding-DNA position 1342, C replaced by T.
Protein change: p.Leu448Phe; replaces leucine 448 with phenylalanine.
Molecular consequence: missense variant.
Genome position (GRCh38, 1-based): chr19:39,420,795, C>T. VCF-style: chr19-39420795-C-T. GRCh37 (hg19) VCF-style: chr19-39911435-C-T.
Other names: c.1165C>T, p.Leu389Phe (NM_001351693.2); c.1342C>T, p.Leu448Phe (NM_001351694.2); short protein forms L389F, L448F.
Identifiers: ClinVar variation 1524900 (VCV001524900.8), dbSNP rs1379380107, ClinGen allele CA405792996.